The following is an entry in ClinVar:

NM_025179.4(PLXNA2):c.221C>A (p.Thr74Lys)

Gene: PLXNA2 (plexin A2; minus strand). Cytogenetic location: 1q32.2.
Variant type: single nucleotide variant.
Coding change: c.221C>A on transcript NM_025179.4 (MANE Select); coding-DNA position 221, C replaced by A.
Protein change: p.Thr74Lys; replaces threonine 74 with lysine.
Molecular consequence: missense variant.
Genome position (GRCh38, 1-based): chr1:208,217,702, G>T on the plus strand (C>A on the coding strand, the complement: PLXNA2 is on the minus strand). VCF-style: chr1-208217702-G-T. GRCh37 (hg19) VCF-style: chr1-208391047-G-T.
Other names: short protein forms T74K.
Identifiers: ClinVar variation 1504960 (VCV001504960.8), dbSNP rs766481422, ClinGen allele CA1374110.

ClinVar aggregate classification (germline): Uncertain significance (1 of 4 stars; one submission).

gnomAD v4.1: 1 of 1,614,220 alleles (0.000062%); no homozygotes.

Submission:

Labcorp Genetics (formerly Invitae), Labcorp
Classification: Uncertain significance. Last evaluated: 2024-02-20. Review status: criteria provided, single submitter. Criteria: Invitae Variant Classification Sherloc (09022015). Collection method: clinical testing. Allele origin: germline.
Comment: This sequence change replaces threonine, which is neutral and polar, with lysine, which is basic and polar, at codon 74 of the PLXNA2 protein (p.Thr74Lys). This variant is present in population databases (rs766481422, gnomAD 0.003%). This variant has not been reported in the literature in individuals affected with PLXNA2-related conditions. ClinVar contains an entry for this variant (Variation ID: 1504960). Advanced modeling of protein sequence and biophysical properties (such as structural, functional, and spatial information, amino acid conservation, physicochemical variation, residue mobility, and thermodynamic stability) performed at Invitae indicates that this missense variant is not expected to disrupt PLXNA2 protein function with a negative predictive value of 80%. In summary, the available evidence is currently insufficient to determine the role of this variant in disease. Therefore, it has been classified as a Variant of Uncertain Significance.